The following is an entry in ClinVar:

NM_020810.3(TRMT5):c.118_119del (p.Gln40fs)

Gene: TRMT5 (tRNA methyltransferase 5; minus strand). Cytogenetic location: 14q23.1.
Variant type: Microsatellite.
Coding change: c.118_119del on transcript NM_020810.3 (MANE Select); coding-DNA positions 118 to 119, 2 bases deleted (CA; older notation c.118_119delCA).
Protein change: p.Gln40fs; shifts the reading frame from glutamine 40.
Molecular consequence: frameshift variant.
Genome position (GRCh38, 1-based): chr14:60,979,779-60,979,780, TG deleted on the plus strand (CA on the coding strand, the reverse complement: TRMT5 is on the minus strand); deleting any 2 consecutive bases within chr14:60,979,779-60,979,783 gives the same sequence; the c. name uses the placement nearest the transcript's 3' end. VCF-style (leftmost placement, unchanged base first): chr14-60979778-CTG-C. GRCh37 (hg19) VCF-style: chr14-61446496-CTG-C.
Other names: c.202_203del, p.Gln68fs (NM_001350253.1); c.199_200del, p.Gln67fs (NM_001350254.1); short protein forms Q40fs, Q67fs, Q68fs.
Identifiers: ClinVar variation 2120359 (VCV002120359.4), dbSNP rs2502995265, ClinGen allele CA2575544501.

ClinVar aggregate classification (germline): Uncertain significance (1 of 4 stars; one submission).

Submission:

Labcorp Genetics (formerly Invitae), Labcorp
Classification: Uncertain significance. Last evaluated: 2022-04-01. Review status: criteria provided, single submitter. Criteria: Invitae Variant Classification Sherloc (09022015). Collection method: clinical testing. Allele origin: germline.
Comment: This sequence change creates a premature translational stop signal (p.Gln40Aspfs*27) in the TRMT5 gene. It is expected to result in an absent or disrupted protein product. However, the current clinical and genetic evidence is not sufficient to establish whether loss-of-function variants in TRMT5 cause disease. This variant is not present in population databases (gnomAD no frequency). This variant has not been reported in the literature in individuals affected with TRMT5-related conditions. In summary, the available evidence is currently insufficient to determine the role of this variant in disease. Therefore, it has been classified as a Variant of Uncertain Significance.